The following is an entry in ClinVar:

ClinVar aggregate classification (germline): Uncertain significance (1 of 4 stars; one submission).

Conditions:
Hereditary cancer-predisposing syndrome. Also called: Tumor predisposition; Hereditary Cancer Syndrome; Neoplastic Syndromes, Hereditary; Hereditary neoplastic syndrome. Identifiers: Orphanet 140162, MedGen C0027672, MeSH D009386, MONDO:0015356.

Submission:

Ambry Genetics
Classification: Uncertain significance for Hereditary cancer-predisposing syndrome. Last evaluated: 2022-05-13. Review status: criteria provided, single submitter. Criteria: Ambry Variant Classification Scheme 2023. Collection method: clinical testing. Allele origin: germline.
Comment: The p.L946P variant (also known as c.2837T>C), located in coding exon 18 of the BRIP1 gene, results from a T to C substitution at nucleotide position 2837. The leucine at codon 946 is replaced by proline, an amino acid with similar properties. This amino acid position is conserved. In addition, this alteration is predicted to be tolerated by in silico analysis. Since supporting evidence is limited at this time, the clinical significance of this alteration remains unclear.

NM_032043.3(BRIP1):c.2837T>C (p.Leu946Pro)

Gene: BRIP1 (BRCA1 interacting DNA helicase 1; minus strand). Cytogenetic location: 17q23.2.
Variant type: single nucleotide variant.
Coding change: c.2837T>C on transcript NM_032043.3 (MANE Select); coding-DNA position 2837, T replaced by C.
Protein change: p.Leu946Pro; replaces leucine 946 with proline.
Molecular consequence: missense variant.
Genome position (GRCh38, 1-based): chr17:61,685,904, A>G on the plus strand (T>C on the coding strand, the complement: BRIP1 is on the minus strand). VCF-style: chr17-61685904-A-G. GRCh37 (hg19) VCF-style: chr17-59763265-A-G.
Other names: short protein forms L946P.
Identifiers: ClinVar variation 1796659 (VCV001796659.2), dbSNP rs2144109471, ClinGen allele CA400481381.